The following is an entry in ClinVar:

ClinVar aggregate classification (germline): Pathogenic (1 of 4 stars; one submission).

Conditions:
Hereditary hemorrhagic telangiectasia (HHT). Also called: ORW DISEASE; Osler Weber Rendu syndrome; OSLER-RENDU-WEBER DISEASE; Osler hemorrhagic telangiectasia syndrome. Identifiers: Orphanet 774, MedGen C0039445, MONDO:0019180. Disease mechanism: loss of function.

Submission:

Labcorp Genetics (formerly Invitae), Labcorp
Classification: Pathogenic for Hereditary hemorrhagic telangiectasia. Last evaluated: 2024-05-09. Review status: criteria provided, single submitter. Criteria: Invitae Variant Classification Sherloc (09022015). Collection method: clinical testing. Allele origin: germline.
Comment: This sequence change affects a donor splice site in intron 4 of the ENG gene. It is expected to disrupt RNA splicing. Variants that disrupt the donor or acceptor splice site typically lead to a loss of protein function (PMID: 16199547), and loss-of-function variants in ENG are known to be pathogenic (PMID: 15879500). This variant is not present in population databases (gnomAD no frequency). Disruption of this splice site has been observed in individuals with hereditary hemorrhagic telangiectasia (PMID: 23535011; Invitae). Algorithms developed to predict the effect of sequence changes on RNA splicing suggest that this variant may disrupt the consensus splice site. For these reasons, this variant has been classified as Pathogenic.

Literature cited by the submitters: PubMed 16199547; PubMed 15879500; PubMed 23535011.

NM_001114753.3(ENG):c.523+2T>C

Gene: ENG (endoglin; minus strand). Cytogenetic location: 9q34.11.
Variant type: single nucleotide variant.
Coding change: c.523+2T>C on transcript NM_001114753.3 (MANE Select); the canonical splice donor site of the intron after coding-DNA position 523, T replaced by C.
Molecular consequence: splice donor variant.
Genome position (GRCh38, 1-based): chr9:127,826,508, A>G on the plus strand (T>C on the coding strand, the complement: ENG is on the minus strand). VCF-style: chr9-127826508-A-G. GRCh37 (hg19) VCF-style: chr9-130588787-A-G.
Other names: c.523+2T>C (NM_000118.4, NM_001406715.1); c.-24+2T>C (NM_001278138.2).
Identifiers: ClinVar variation 3652855 (VCV003652855.2).